The following is an entry in ClinVar:

ClinVar aggregate classification (germline): Pathogenic (1 of 4 stars; one submission).

Conditions:
Capillary malformation-arteriovenous malformation syndrome. Also called: Capillary malformation-arteriovenous malformation. Identifiers: Orphanet 137667, MedGen C1842180, MONDO:0012016.

Submission:

Labcorp Genetics (formerly Invitae), Labcorp
Classification: Pathogenic for Capillary malformation-arteriovenous malformation syndrome. Last evaluated: 2023-01-17. Review status: criteria provided, single submitter. Criteria: Invitae Variant Classification Sherloc (09022015). Collection method: clinical testing. Allele origin: germline.
Comment: For these reasons, this variant has been classified as Pathogenic. This variant results in an extension of the RASA1 protein. Other variant(s) that result in a similarly extended protein product (p.Gln1037Thrfs*63) have been determined to be pathogenic (PMID: 24038909; Invitae). This suggests that these extensions are likely to be disease-causing. This variant has not been reported in the literature in individuals affected with RASA1-related conditions. This variant is not present in population databases (gnomAD no frequency). This sequence change results in a frameshift in the RASA1 gene (p.Glu1031Asnfs*70). While this is not anticipated to result in nonsense mediated decay, it is expected to disrupt the last 17 amino acid(s) of the RASA1 protein and extend the protein by 52 additional amino acid residues.

Literature cited by the submitters: PubMed 24038909.

NM_002890.3(RASA1):c.3091del (p.Glu1031fs)

Genes: CCNH (cyclin H; minus strand), RASA1 (RAS p21 protein activator 1; plus strand). Cytogenetic location: 5q14.3.
Variant type: Deletion.
Coding change: c.3091del on transcript NM_002890.3 (MANE Select); coding-DNA position 3091, one base deleted (G; older notation c.3091delG).
Protein change: p.Glu1031fs; shifts the reading frame from glutamic acid 1031.
Molecular consequence: frameshift variant. On other transcripts: 3 prime UTR variant (2), non-coding transcript variant (1), intron variant (1).
Genome position (GRCh38, 1-based): chr5:87,390,830, G deleted. VCF-style (leftmost placement, unchanged base first): chr5-87390829-AG-A. GRCh37 (hg19) VCF-style: chr5-86686646-AG-A.
Other names: c.2560del, p.Glu854fs (NM_022650.3); c.*2030del (NM_001363539.2, NM_001364076.2); c.933+4214del (NM_001364075.2); short protein forms E1031fs, E854fs.
Identifiers: ClinVar variation 2829408 (VCV002829408.3), dbSNP rs2531404919, ClinGen allele CA2739274926.
Genomic context (GRCh38, chr5:87,390,829, plus strand): 5'-TTTATTTTCATACCATTTTTCCTCTGTCTAGCACGTATTGAAAAAGCTTCTGGCTATAAC[AG>A]AACTGCTTCAACAAAAACAAAACCAGTATACAAAAACCAATGATGTCAGGTAGCAGCCTT-3'